The following is an entry in ClinVar:

NM_033343.4(LHX4):c.807_896dup (p.Tyr299_Gln300insThrAsnArgIleTyrGlyAsnValGlyAspValThrGlyGlyGlnLeuMetAsnGlySerPheSerMetAspGlyThrGlyGlnSerTyr)

Genes: ACBD6 (acyl-CoA binding domain containing 6; minus strand), LHX4 (LIM homeobox 4; plus strand), LHX4-AS1 (LHX4 antisense RNA 1; minus strand). Cytogenetic location: 1q25.2.
Variant type: Duplication.
Coding change: c.807_896dup on transcript NM_033343.4 (MANE Select); coding-DNA positions 807 to 896, 90 bases duplicated.
Protein change: p.Tyr299_Gln300insThrAsnArgIleTyrGlyAsnValGlyAspValThrGlyGlyGlnLeuMetAsnGlySerPheSerMetAspGlyThrGlyGlnSerTyr.
Genome position (GRCh38, 1-based): chr1:180,274,213-180,274,302, 90 bases duplicated. GRCh37 (hg19): chr1:180,243,348-180,243,437.
Identifiers: ClinVar variation 4851360 (VCV004851360.1).

ClinVar aggregate classification (germline): Uncertain significance (1 of 4 stars; one submission).

Conditions:
Fetal anomalies with a likely genetic cause.

Submission:

Genetics Laboratory, Great Ormond Street Hospital NHS Foundation Trust, North Thames Genomic Laboratory Hub
Classification: Uncertain significance for Fetal anomalies with a likely genetic cause. Last evaluated: 2026-03-24. Review status: criteria provided, single submitter. Criteria: ACGS Best Practice Guidelines for Variant Classification in Rare Disease 2024 v1.2. Collection method: clinical testing. Allele origin: germline. Affected: yes.
Comment: PM2_moderate, PM4_moderate